The following is an entry in ClinVar:

NM_014633.5(CTR9):c.849+1G>A

Gene: CTR9 (CTR9 component of Paf1/RNA polymerase II complex; plus strand). Cytogenetic location: 11p15.4.
Variant type: single nucleotide variant.
Coding change: c.849+1G>A on transcript NM_014633.5 (MANE Select); the canonical splice donor site of the intron after coding-DNA position 849, G replaced by A.
Molecular consequence: splice donor variant.
Genome position (GRCh38, 1-based): chr11:10,762,055, G>A. VCF-style: chr11-10762055-G-A. GRCh37 (hg19) VCF-style: chr11-10783602-G-A.
Other names: c.849+1G>A (NM_001346279.2).
Identifiers: ClinVar variation 5040053 (VCV005040053.1).
Genomic context (GRCh38, chr11:10,762,055, plus strand): 5'-ATTGATCCTAGCAACCCTATGGTATTGAACCATTTGGCAAATCACTTTTTCTTCAAAAAG[G>A]TAGAAGTCATTTATTTTTAAATTCTGATTTTTGTTTTTCTGTACTGCAATTGATATTTTA-3'

ClinVar aggregate classification (germline): Uncertain significance (1 of 4 stars; one submission).

Submission:

CeGaT Center for Human Genetics Tuebingen
Classification: Uncertain significance. Last evaluated: 2026-07-01. Review status: criteria provided, single submitter. Criteria: CeGaT Center For Human Genetics Tuebingen Variant Classification Criteria Version 2. Collection method: clinical testing. Allele origin: germline. Affected: yes. Observed: 1 variant allele.
Comment: CTR9: PM2, PVS1:Supporting